The following is an entry in ClinVar:

NM_022662.4(ANAPC1):c.1308A>T (p.Leu436=)

Gene: ANAPC1 (anaphase promoting complex subunit 1; minus strand). Cytogenetic location: 2q13.
Variant type: single nucleotide variant.
Coding change: c.1308A>T on transcript NM_022662.4 (MANE Select); coding-DNA position 1308, A replaced by T.
Protein change: p.Leu436=; no amino-acid change (leucine 436 retained).
Molecular consequence: synonymous variant.
Genome position (GRCh38, 1-based): chr2:111,858,356, T>A on the plus strand (A>T on the coding strand, the complement: ANAPC1 is on the minus strand). VCF-style: chr2-111858356-T-A. GRCh37 (hg19) VCF-style: chr2-112615933-T-A.
Identifiers: ClinVar variation 3778403 (VCV003778403.7).

ClinVar aggregate classification (germline): Likely benign (1 of 4 stars; one submission).

Submission:

CeGaT Center for Human Genetics Tuebingen
Classification: Likely benign. Last evaluated: 2025-03-01. Review status: criteria provided, single submitter. Criteria: CeGaT Center For Human Genetics Tuebingen Variant Classification Criteria Version 2. Collection method: clinical testing. Allele origin: germline. Affected: yes. Observed: 1 variant allele.
Comment: ANAPC1: BP4, BP7